The following is an entry in ClinVar:

NM_021098.3(CACNA1H):c.6569C>T (p.Pro2190Leu)

Gene: CACNA1H (calcium voltage-gated channel subunit alpha1 H; plus strand). Cytogenetic location: 16p13.3.
Variant type: single nucleotide variant.
Coding change: c.6569C>T on transcript NM_021098.3 (MANE Select); coding-DNA position 6569, C replaced by T.
Protein change: p.Pro2190Leu; replaces proline 2190 with leucine.
Molecular consequence: missense variant.
Genome position (GRCh38, 1-based): chr16:1,220,501, C>T. VCF-style: chr16-1220501-C-T. GRCh37 (hg19) VCF-style: chr16-1270501-C-T.
Other names: c.6551C>T, p.Pro2184Leu (NM_001005407.2); short protein forms P2190L, P2184L.
Identifiers: ClinVar variation 1988465 (VCV001988465.4), dbSNP rs576145899, ClinGen allele CA276614164.
Genomic context (GRCh38, chr16:1,220,501, plus strand): 5'-CCTGGGGCCCTGAGGCCGAGCCCGCTCTGGGTGCGCGCAGAAAGAAGAAGATGAGCCCCC[C>T]CTGCATCTCGGTGGAACCCCCTGCGGAGGACGAGGGCTCTGCGCGGCCCTCCGCGGCAGA-3'
Protein context (NP_066921.2, residues 2180-2200): GARRKKKMSP[Pro2190Leu]CISVEPPAED

ClinVar aggregate classification (germline): Uncertain significance (1 of 4 stars; one submission).

Conditions:
Hyperaldosteronism, familial, type IV (HALD4). Also called: FH IV; ALDOSTERONISM, PRIMARY, AND HYPERTENSION. Identifiers: Orphanet 642671, MedGen C4310756, MONDO:0014875, OMIM 617027.
Idiopathic generalized epilepsy. Also called: EIG; Generalised epilepsy. Identifiers: MedGen C0270850, MONDO:0005579, OMIM 600669.

gnomAD v4.1: 6 of 1,542,342 alleles (0.00039%); highest among the groups gnomAD compares: Non-Finnish European, 0.00052%; no homozygotes.

Submission:

Labcorp Genetics (formerly Invitae), Labcorp
Classification: Uncertain significance for Idiopathic generalized epilepsy; Hyperaldosteronism, familial, type IV. Last evaluated: 2022-07-01. Review status: criteria provided, single submitter. Criteria: Invitae Variant Classification Sherloc (09022015). Collection method: clinical testing. Allele origin: germline.
Comment: In summary, the available evidence is currently insufficient to determine the role of this variant in disease. Therefore, it has been classified as a Variant of Uncertain Significance. Algorithms developed to predict the effect of missense changes on protein structure and function are either unavailable or do not agree on the potential impact of this missense change (SIFT: "Deleterious"; PolyPhen-2: "Probably Damaging"; Align-GVGD: "Class C0"). This variant has not been reported in the literature in individuals affected with CACNA1H-related conditions. This variant is not present in population databases (gnomAD no frequency). This sequence change replaces proline, which is neutral and non-polar, with leucine, which is neutral and non-polar, at codon 2190 of the CACNA1H protein (p.Pro2190Leu).